The following is an entry in ClinVar:

NM_001365999.1(SZT2):c.593C>T (p.Ala198Val)

Gene: SZT2 (SZT2 subunit of KICSTOR complex; plus strand). Cytogenetic location: 1p34.2.
Variant type: single nucleotide variant.
Coding change: c.593C>T on transcript NM_001365999.1 (MANE Select); coding-DNA position 593, C replaced by T.
Protein change: p.Ala198Val; replaces alanine 198 with valine.
Molecular consequence: missense variant.
Genome position (GRCh38, 1-based): chr1:43,415,176, C>T. VCF-style: chr1-43415176-C-T. GRCh37 (hg19) VCF-style: chr1-43880847-C-T.
Other names: c.593C>T, p.Ala198Val (NM_015284.4); short protein forms A198V.
Identifiers: ClinVar variation 638917 (VCV000638917.12), dbSNP rs370706859, ClinGen allele CA808220.

ClinVar aggregate classification (germline): Uncertain significance. Review status: criteria provided, multiple submitters, no conflicts (2 of 4 stars). 3 submissions from 3 submitters: Uncertain significance (3). Last evaluated 2025-11-17.

Allele frequency attached by ClinVar (database versions not stated): gnomAD exomes 0.00002 and 0.00003; ExAC 0.00004; gnomAD 0.00004 and 0.00005; TOPMed 0.00005; ESP Exome Variant Server 0.00017.
gnomAD v4.1: 42 of 1,597,886 alleles (0.0026%); highest among the groups gnomAD compares: Middle Eastern, 0.033%; 1 homozygote.

Submissions (3):

GeneDx
Classification: Uncertain significance. Last evaluated: 2025-11-17. Review status: criteria provided, single submitter. Criteria: GeneDx Variant Classification Process June 2021. Collection method: clinical testing. Allele origin: germline. Affected: yes.
Comment: Not observed at significant frequency in large population cohorts (gnomAD); In silico analysis suggests that this missense variant does not alter protein structure/function; Has not been previously published as pathogenic or benign to our knowledge

Labcorp Genetics (formerly Invitae), Labcorp
Classification: Uncertain significance. Last evaluated: 2025-08-21. Review status: criteria provided, single submitter. Criteria: Invitae Variant Classification Sherloc (09022015). Collection method: clinical testing. Allele origin: germline.
Comment: This sequence change replaces alanine, which is neutral and non-polar, with valine, which is neutral and non-polar, at codon 198 of the SZT2 protein (p.Ala198Val). This variant is present in population databases (rs370706859, gnomAD 0.007%). This variant has not been reported in the literature in individuals affected with SZT2-related conditions. ClinVar contains an entry for this variant (Variation ID: 638917). Invitae Evidence Modeling of protein sequence and biophysical properties (such as structural, functional, and spatial information, amino acid conservation, physicochemical variation, residue mobility, and thermodynamic stability) indicates that this missense variant is expected to disrupt SZT2 protein function with a positive predictive value of 80%. In summary, the available evidence is currently insufficient to determine the role of this variant in disease. Therefore, it has been classified as a Variant of Uncertain Significance.

Blueprint Genetics
Classification: Uncertain significance. Last evaluated: 2022-09-16. Review status: criteria provided, single submitter. Criteria: ACMG Guidelines, 2015. Collection method: clinical testing. Allele origin: germline.